The following is an entry in ClinVar:

ClinVar aggregate classification (germline): Uncertain significance (1 of 4 stars; one submission).

Conditions:
Cryopyrin associated periodic syndrome (CAPS). Identifiers: Orphanet 208650, MedGen C2316212, MONDO:0016168.

gnomAD v4.1: 1 of 1,614,114 alleles (0.000062%); highest among the groups gnomAD compares: Non-Finnish European, 0.000085%; no homozygotes.

Submission:

Labcorp Genetics (formerly Invitae), Labcorp
Classification: Uncertain significance for Cryopyrin associated periodic syndrome. Last evaluated: 2024-03-01. Review status: criteria provided, single submitter. Criteria: Invitae Variant Classification Sherloc (09022015). Collection method: clinical testing. Allele origin: germline.
Comment: This sequence change replaces arginine, which is basic and polar, with threonine, which is neutral and polar, at codon 252 of the NLRP3 protein (p.Arg252Thr). This variant is not present in population databases (gnomAD no frequency). This variant has not been reported in the literature in individuals affected with NLRP3-related conditions. Advanced modeling of protein sequence and biophysical properties (such as structural, functional, and spatial information, amino acid conservation, physicochemical variation, residue mobility, and thermodynamic stability) has been performed at Invitae for this missense variant, however the output from this modeling did not meet the statistical confidence thresholds required to predict the impact of this variant on NLRP3 protein function. In summary, the available evidence is currently insufficient to determine the role of this variant in disease. Therefore, it has been classified as a Variant of Uncertain Significance.

NM_001243133.2(NLRP3):c.749G>C (p.Arg250Thr)

Gene: NLRP3 (NLR family pyrin domain containing 3; plus strand). Cytogenetic location: 1q44.
Variant type: single nucleotide variant.
Coding change: c.749G>C on transcript NM_001243133.2 (MANE Select); coding-DNA position 749, G replaced by C.
Protein change: p.Arg250Thr; replaces arginine 250 with threonine.
Molecular consequence: missense variant.
Genome position (GRCh38, 1-based): chr1:247,424,198, G>C. VCF-style: chr1-247424198-G-C. GRCh37 (hg19) VCF-style: chr1-247587500-G-C.
Other names: c.749G>C, p.Arg250Thr (NM_001079821.3, NM_001127461.3, NM_001127462.3 and 1 more transcripts); c.755G>C, p.Arg252Thr (NM_004895.5); short protein forms R250T, R252T.
Identifiers: ClinVar variation 3633870 (VCV003633870.2).